The following is an entry in ClinVar:

ClinVar aggregate classification (germline): Uncertain significance (1 of 4 stars; one submission).

Conditions:
Tyrosinemia type I (TYRSN1). Also called: Tyrosinemia type 1; Fumarylacetoacetase deficiency; Deficiency of fumarylacetoacetase; FAH DEFICIENCY; HEPATORENAL TYROSINEMIA. Identifiers: Orphanet 882, MedGen C0268490, MONDO:0010161, OMIM 276700. Disease mechanism: loss of function.

Submission:

Labcorp Genetics (formerly Invitae), Labcorp
Classification: Uncertain significance for Tyrosinemia type I. Last evaluated: 2024-02-24. Review status: criteria provided, single submitter. Criteria: Invitae Variant Classification Sherloc (09022015). Collection method: clinical testing. Allele origin: germline.
Comment: This sequence change replaces leucine, which is neutral and non-polar, with proline, which is neutral and non-polar, at codon 375 of the FAH protein (p.Leu375Pro). This variant is not present in population databases (gnomAD no frequency). This missense change has been observed in individual(s) with tyrosinemia type 1 (PMID: 22884142). In at least one individual the data is consistent with being in trans (on the opposite chromosome) from a pathogenic variant. ClinVar contains an entry for this variant (Variation ID: 2137736). Advanced modeling of protein sequence and biophysical properties (such as structural, functional, and spatial information, amino acid conservation, physicochemical variation, residue mobility, and thermodynamic stability) performed at Invitae indicates that this missense variant is not expected to disrupt FAH protein function with a negative predictive value of 80%. In summary, the available evidence is currently insufficient to determine the role of this variant in disease. Therefore, it has been classified as a Variant of Uncertain Significance.

Literature cited by the submitters: PubMed 22884142.

NM_000137.4(FAH):c.1124T>C (p.Leu375Pro)

Gene: FAH (fumarylacetoacetate hydrolase; plus strand). Cytogenetic location: 15q25.1.
Variant type: single nucleotide variant.
Coding change: c.1124T>C on transcript NM_000137.4 (MANE Select); coding-DNA position 1124, T replaced by C.
Protein change: p.Leu375Pro; replaces leucine 375 with proline.
Molecular consequence: missense variant.
Genome position (GRCh38, 1-based): chr15:80,181,103, T>C. VCF-style: chr15-80181103-T-C. GRCh37 (hg19) VCF-style: chr15-80473445-T-C.
Other names: c.1124T>C, p.Leu375Pro (NM_001374377.1, NM_001374380.1); short protein forms L375P.
Identifiers: ClinVar variation 2137736 (VCV002137736.4), dbSNP rs2505862187, ClinGen allele CA393621994.